The following is an entry in ClinVar:

NM_001025603.2(RFX5):c.1333G>A (p.Ala445Thr)

Gene: RFX5 (regulatory factor X5; minus strand). Cytogenetic location: 1q21.3.
Variant type: single nucleotide variant.
Coding change: c.1333G>A on transcript NM_001025603.2 (MANE Select); coding-DNA position 1333, G replaced by A.
Protein change: p.Ala445Thr; replaces alanine 445 with threonine.
Molecular consequence: missense variant.
Genome position (GRCh38, 1-based): chr1:151,342,704, C>T on the plus strand (G>A on the coding strand, the complement: RFX5 is on the minus strand). VCF-style: chr1-151342704-C-T. GRCh37 (hg19) VCF-style: chr1-151315180-C-T.
Other names: c.1333G>A, p.Ala445Thr (NM_000449.4, NM_001379412.1, NM_001379413.1 and 5 more transcripts); c.1213G>A, p.Ala405Thr (NM_001379419.1, NM_001379420.1); short protein forms A445T, A405T.
Identifiers: ClinVar variation 2046023 (VCV002046023.2), dbSNP rs752775566, ClinGen allele CA29558222.

ClinVar aggregate classification (germline): Uncertain significance (1 of 4 stars; one submission).

Conditions:
MHC class II deficiency. Also called: Bare lymphocyte syndrome 2; BLS, TYPE II. Identifiers: Orphanet 572, MedGen C5447452, MONDO:0008855.

Submission:

Labcorp Genetics (formerly Invitae), Labcorp
Classification: Uncertain significance for MHC class II deficiency. Last evaluated: 2025-01-07. Review status: criteria provided, single submitter. Criteria: Invitae Variant Classification Sherloc (09022015). Collection method: clinical testing. Allele origin: germline.
Comment: This sequence change replaces alanine, which is neutral and non-polar, with threonine, which is neutral and polar, at codon 445 of the RFX5 protein (p.Ala445Thr). This variant is present in population databases (no rsID available, gnomAD 0.009%). This variant has not been reported in the literature in individuals affected with RFX5-related conditions. ClinVar contains an entry for this variant (Variation ID: 2046023). An algorithm developed to predict the effect of missense changes on protein structure and function (PolyPhen-2) suggests that this variant¬†is likely to be tolerated. In summary, the available evidence is currently insufficient to determine the role of this variant in disease. Therefore, it has been classified as a Variant of Uncertain Significance.